The following is an entry in ClinVar:

NM_000059.4(BRCA2):c.1923T>C (p.Ser641=)

Gene: BRCA2 (BRCA2 DNA repair associated; plus strand). Cytogenetic location: 13q13.1.
Variant type: single nucleotide variant.
Coding change: c.1923T>C on transcript NM_000059.4 (MANE Select); coding-DNA position 1923, T replaced by C.
Protein change: p.Ser641=; no amino-acid change (serine 641 retained).
Molecular consequence: synonymous variant.
Genome position (GRCh38, 1-based): chr13:32,336,278, T>C. VCF-style: chr13-32336278-T-C. GRCh37 (hg19) VCF-style: chr13-32910415-T-C.
Identifiers: ClinVar variation 386406 (VCV000386406.16), dbSNP rs1057522492, ClinGen allele CA16606780.

ClinVar aggregate classification (germline): Likely benign. Review status: criteria provided, multiple submitters, no conflicts (2 of 4 stars). 4 submissions from 4 submitters: Likely benign (4). Last evaluated 2025-05-07.

Conditions:
Hereditary cancer-predisposing syndrome. Also called: Hereditary Cancer Syndrome; Hereditary neoplastic syndrome; Neoplastic Syndromes, Hereditary; Tumor predisposition. Identifiers: Orphanet 140162, MedGen C0027672, MeSH D009386, MONDO:0015356.
Hereditary breast ovarian cancer syndrome. Also called: Hereditary breast and ovarian cancer syndrome; Hereditary breast and ovarian cancer; Breast and ovarian cancer; BRCA1- and BRCA2-Associated Hereditary Breast and Ovarian Cancer; Hereditary breast and/or ovarian cancer syndrome; Hereditary breast and ovarian cancer syndrome (HBOC). Identifiers: Orphanet 145, MedGen C0677776, MeSH D061325, MONDO:0003582. Disease mechanism: loss of function.

Allele frequency attached by ClinVar (database versions not stated): TOPMed below 0.00001.

Submissions (4):

Labcorp Genetics (formerly Invitae), Labcorp
Classification: Likely benign for Hereditary breast ovarian cancer syndrome. Last evaluated: 2025-05-07. Review status: criteria provided, single submitter. Criteria: Invitae Variant Classification Sherloc (09022015). Collection method: clinical testing. Allele origin: germline.

Women's Health and Genetics/Laboratory Corporation of America, LabCorp
Classification: Likely benign. Last evaluated: 2021-08-29. Review status: criteria provided, single submitter. Criteria: LabCorp Variant Classification Summary - May 2015. Collection method: clinical testing. Allele origin: germline.

Ambry Genetics
Classification: Likely benign for Hereditary cancer-predisposing syndrome. Last evaluated: 2018-02-11. Review status: criteria provided, single submitter. Criteria: Ambry Variant Classification Scheme 2023. Collection method: clinical testing. Allele origin: germline.

GeneDx
Classification: Likely benign. Last evaluated: 2016-05-18. Review status: criteria provided, single submitter. Criteria: GeneDx Variant Classification (06012015). Collection method: clinical testing. Allele origin: germline. Affected: yes.
Comment: This variant is considered likely benign or benign based on one or more of the following criteria: it is a conservative change, it occurs at a poorly conserved position in the protein, it is predicted to be benign by multiple in silico algorithms, and/or has population frequency not consistent with disease.